The following is an entry in ClinVar:

ClinVar aggregate classification (germline): Uncertain significance. Review status: criteria provided, multiple submitters, no conflicts (2 of 4 stars). 5 submissions from 4 submitters: Uncertain significance (5). Last evaluated 2024-08-04.

Conditions:
Hereditary cancer-predisposing syndrome. Also called: Hereditary Cancer Syndrome; Neoplastic Syndromes, Hereditary; Tumor predisposition; Hereditary neoplastic syndrome. Identifiers: Orphanet 140162, MedGen C0027672, MeSH D009386, MONDO:0015356.
Cardiovascular phenotype. Identifiers: MedGen CN230736.
Neurofibromatosis, type 1 (NF1). Also called: NEUROFIBROMATOSIS, TYPE I, SOMATIC; VON RECKLINGHAUSEN DISEASE; Peripheral type neurofibromatosis; Neurofibromatosis, type I. Identifiers: Orphanet 636, MedGen C0027831, MONDO:0018975, OMIM 162200. Disease mechanism: loss of function.

Submissions (5):

Labcorp Genetics (formerly Invitae), Labcorp
Classification: Uncertain significance for Neurofibromatosis, type 1. Last evaluated: 2024-08-04. Review status: criteria provided, single submitter. Criteria: Invitae Variant Classification Sherloc (09022015). Collection method: clinical testing. Allele origin: germline.
Comment: This sequence change replaces glycine, which is neutral and non-polar, with arginine, which is basic and polar, at codon 672 of the NF1 protein (p.Gly672Arg). This variant is not present in population databases (gnomAD no frequency). This variant has not been reported in the literature in individuals affected with NF1-related conditions. ClinVar contains an entry for this variant (Variation ID: 186018). Advanced modeling of protein sequence and biophysical properties (such as structural, functional, and spatial information, amino acid conservation, physicochemical variation, residue mobility, and thermodynamic stability) performed at Invitae indicates that this missense variant is not expected to disrupt NF1 protein function with a negative predictive value of 95%. In summary, the available evidence is currently insufficient to determine the role of this variant in disease. Therefore, it has been classified as a Variant of Uncertain Significance.

Ambry Genetics
Classification: Uncertain significance for Cardiovascular phenotype; Hereditary cancer-predisposing syndrome. Last evaluated: 2022-08-24. Review status: criteria provided, single submitter. Criteria: Ambry Variant Classification Scheme 2023. Collection method: clinical testing. Allele origin: germline.

Genome-Nilou Lab
Classification: Uncertain significance for Neurofibromatosis, type 1. Last evaluated: 2022-03-15. Review status: criteria provided, single submitter. Criteria: ACMG Guidelines, 2015. Collection method: clinical testing. Allele origin: germline. Affected: no.

ARUP Laboratories, Molecular Genetics and Genomics, ARUP Laboratories
Classification: Uncertain significance. Last evaluated: 2017-04-13. Review status: criteria provided, single submitter. Criteria: ARUP Molecular Germline Variant Investigation Process. Collection method: clinical testing. Allele origin: germline.

Ambry Genetics
Classification: Uncertain significance for Hereditary cancer-predisposing syndrome. Last evaluated: 2015-07-14. Review status: criteria provided, single submitter. Criteria: Ambry Autosomal Dominant and X-Linked criteria (10/2015). Collection method: clinical testing. Allele origin: germline. Observed: 1 variant allele.
Comment: The p.G672R variant (also known as c.2014G>A), located in coding exon 18 of the NF1 gene, results from a G to A substitution at nucleotide position 2014. The glycine at codon 672 is replaced by arginine, an amino acid with dissimilar properties. This variant was not reported in population based cohorts in the following databases: Database of Single Nucleotide Polymorphisms (dbSNP), NHLBI Exome Sequencing Project (ESP), and 1000 Genomes Project. In the ESP, this variant was not observed in 6503 samples (13006 alleles) with coverage at this position. To date, this alteration has been detected with an allele frequency of approximately 0.004% (greater than 55,000 alleles tested) in our clinical cohort. This amino acid position is well conserved in available vertebrate species.In addition, this alteration is predicted to be tolerated by in silico analysis. Since supporting evidence is limited at this time, the clinical significance of p.G672R remains unclear.

NM_001042492.3(NF1):c.2014G>A (p.Gly672Arg)

Gene: NF1 (neurofibromin 1; plus strand). Cytogenetic location: 17q11.2.
Variant type: single nucleotide variant.
Coding change: c.2014G>A on transcript NM_001042492.3 (MANE Select); coding-DNA position 2014, G replaced by A.
Protein change: p.Gly672Arg; replaces glycine 672 with arginine.
Molecular consequence: missense variant.
Genome position (GRCh38, 1-based): chr17:31,226,447, G>A. VCF-style: chr17-31226447-G-A. GRCh37 (hg19) VCF-style: chr17-29553465-G-A.
Other names: c.2014G>A, p.Gly672Arg (NM_000267.4); short protein forms G672R.
Identifiers: ClinVar variation 186018 (VCV000186018.18), dbSNP rs786202632, ClinGen allele CA193636.